The following is an entry in ClinVar:

ClinVar aggregate classification (germline): Uncertain significance (1 of 4 stars; one submission).

Submission:

GeneDx
Classification: Uncertain significance. Last evaluated: 2026-03-21. Review status: criteria provided, single submitter. Criteria: GeneDx Variant Classification Process June 2021. Collection method: clinical testing. Allele origin: germline.
Comment: In silico analysis supports that this missense variant has a deleterious effect on protein structure/function; Has not been previously published as pathogenic or benign to our knowledge

NM_001136035.4(TRMT1):c.1520C>T (p.Pro507Leu)

Gene: TRMT1 (tRNA methyltransferase 1; minus strand). Cytogenetic location: 19p13.13.
Variant type: single nucleotide variant.
Coding change: c.1520C>T on transcript NM_001136035.4 (MANE Select); coding-DNA position 1520, C replaced by T.
Protein change: p.Pro507Leu; replaces proline 507 with leucine.
Molecular consequence: missense variant.
Genome position (GRCh38, 1-based): chr19:13,107,637, G>A on the plus strand (C>T on the coding strand, the complement: TRMT1 is on the minus strand). VCF-style: chr19-13107637-G-A. GRCh37 (hg19) VCF-style: chr19-13218451-G-A.
Other names: c.1433C>T, p.Pro478Leu (NM_001142554.3, NM_001351760.2); c.1412C>T, p.Pro471Leu (NM_001351761.2); c.737C>T, p.Pro246Leu (NM_001351762.2); c.1520C>T, p.Pro507Leu (NM_017722.5); short protein forms P246L, P471L, P478L, P507L.
Identifiers: ClinVar variation 5009059 (VCV005009059.1).